The following is an entry in ClinVar:

NM_000059.4(BRCA2):c.2611dup (p.Ser871fs)

Gene: BRCA2 (BRCA2 DNA repair associated; plus strand). Cytogenetic location: 13q13.1.
Variant type: Duplication.
Coding change: c.2611dup on transcript NM_000059.4 (MANE Select); coding-DNA position 2611, one base duplicated (T; older notation c.2611dupT).
Protein change: p.Ser871fs; shifts the reading frame from serine 871.
Molecular consequence: frameshift variant.
Genome position (GRCh38, 1-based): chr13:32,336,966, T duplicated; the last of 3 consecutive T bases (chr13:32,336,964-32,336,966); duplicating any one gives the same sequence. VCF-style (leftmost placement, unchanged base first): chr13-32336963-A-AT. GRCh37 (hg19) VCF-style: chr13-32911100-A-AT.
Other names: c.2611dupT (NM_000059.3); short protein forms S871fs.
Identifiers: ClinVar variation 231055 (VCV000231055.6), dbSNP rs876658929, ClinGen allele CA10579541.

ClinVar aggregate classification (germline): Pathogenic. Review status: reviewed by expert panel (3 of 4 stars). 2 submissions from 2 submitters: Pathogenic (1). 1 of the submissions does not count toward it. Last evaluated 2017-12-15.

Conditions:
Hereditary cancer-predisposing syndrome. Also called: Hereditary Cancer Syndrome; Neoplastic Syndromes, Hereditary; Tumor predisposition; Hereditary neoplastic syndrome. Identifiers: Orphanet 140162, MedGen C0027672, MeSH D009386, MONDO:0015356.
Breast-ovarian cancer, familial, susceptibility to, 2 (BROVCA2). Also called: BRCA2 Hereditary Breast and Ovarian Cancer. Identifiers: Orphanet 145, MedGen C2675520, MONDO:0012933, OMIM 612555. Disease mechanism: loss of function.

Submissions (2):

Evidence-based Network for the Interpretation of Germline Mutant Alleles (ENIGMA)
Classification: Pathogenic for Breast-ovarian cancer, familial, susceptibility to, 2. Last evaluated: 2017-12-15. Review status: reviewed by expert panel. Criteria: ENIGMA BRCA1/2 Classification Criteria (2017-06-29). Collection method: curation. Allele origin: germline. Study: ENIGMA.
Comment: Variant allele predicted to encode a truncated non-functional protein.

Ambry Genetics
Classification: Pathogenic for Hereditary cancer-predisposing syndrome. Last evaluated: 2025-01-13. Review status: criteria provided, single submitter. Criteria: Ambry Variant Classification Scheme 2023. Collection method: clinical testing. Allele origin: germline. Not counted in ClinVar's aggregate classification.
Comment: The c.2611dupT pathogenic mutation, located in coding exon 10 of the BRCA2 gene, results from a duplication of T at nucleotide position 2611, causing a translational frameshift with a predicted alternate stop codon (p.S871Ffs*10). This alteration is expected to result in loss of function by premature protein truncation or nonsense-mediated mRNA decay. As such, this alteration is interpreted as a disease-causing mutation.